The following is an entry in ClinVar:

NM_004656.4(BAP1):c.1549A>C (p.Thr517Pro)

Gene: BAP1 (BRCA1 associated deubiquitinase 1; minus strand). Cytogenetic location: 3p21.1.
Variant type: single nucleotide variant.
Coding change: c.1549A>C on transcript NM_004656.4 (MANE Select); coding-DNA position 1549, A replaced by C.
Protein change: p.Thr517Pro; replaces threonine 517 with proline.
Molecular consequence: missense variant.
Genome position (GRCh38, 1-based): chr3:52,403,596, T>G on the plus strand (A>C on the coding strand, the complement: BAP1 is on the minus strand). VCF-style: chr3-52403596-T-G. GRCh37 (hg19) VCF-style: chr3-52437612-T-G.
Other names: short protein forms T517P.
Identifiers: ClinVar variation 490798 (VCV000490798.14), dbSNP rs1449536422, ClinGen allele CA353100726.

ClinVar aggregate classification (germline): Uncertain significance. Review status: criteria provided, multiple submitters, no conflicts (2 of 4 stars). 3 submissions from 3 submitters: Uncertain significance (3). Last evaluated 2024-10-16.

Conditions:
BAP1-related tumor predisposition syndrome (TPDS1). Also called: Tumor susceptibility linked to germline BAP1 mutations; BAP1 tumor predisposition syndrome; COMMON Syndrome; TUMOR PREDISPOSITION SYNDROME 1. Identifiers: Orphanet 289539, MedGen C3280492, MONDO:0013692, OMIM 614327.
Hereditary cancer-predisposing syndrome. Also called: Hereditary Cancer Syndrome; Neoplastic Syndromes, Hereditary; Tumor predisposition; Hereditary neoplastic syndrome. Identifiers: Orphanet 140162, MedGen C0027672, MeSH D009386, MONDO:0015356.

Allele frequency attached by ClinVar (database versions not stated): gnomAD 0.00001.
gnomAD v4.1: 1 of 1,613,904 alleles (0.000062%); highest among the groups gnomAD compares: Non-Finnish European, 0.000085%; no homozygotes.

Submissions (3):

Labcorp Genetics (formerly Invitae), Labcorp
Classification: Uncertain significance for BAP1-related tumor predisposition syndrome. Last evaluated: 2024-10-16. Review status: criteria provided, single submitter. Criteria: Invitae Variant Classification Sherloc (09022015). Collection method: clinical testing. Allele origin: germline.
Comment: This sequence change replaces threonine, which is neutral and polar, with proline, which is neutral and non-polar, at codon 517 of the BAP1 protein (p.Thr517Pro). This variant is present in population databases (no rsID available, gnomAD 0.007%). This variant has not been reported in the literature in individuals affected with BAP1-related conditions. ClinVar contains an entry for this variant (Variation ID: 490798). Invitae Evidence Modeling of protein sequence and biophysical properties (such as structural, functional, and spatial information, amino acid conservation, physicochemical variation, residue mobility, and thermodynamic stability) indicates that this missense variant is not expected to disrupt BAP1 protein function with a negative predictive value of 80%. In summary, the available evidence is currently insufficient to determine the role of this variant in disease. Therefore, it has been classified as a Variant of Uncertain Significance.

Ambry Genetics
Classification: Uncertain significance for Hereditary cancer-predisposing syndrome. Last evaluated: 2024-09-05. Review status: criteria provided, single submitter. Criteria: Ambry Variant Classification Scheme 2023. Collection method: clinical testing. Allele origin: germline.
Comment: The p.T517P variant (also known as c.1549A>C), located in coding exon 13 of the BAP1 gene, results from an A to C substitution at nucleotide position 1549. The threonine at codon 517 is replaced by proline, an amino acid with highly similar properties. This amino acid position is highly conserved in available vertebrate species. In addition, the in silico prediction for this alteration is inconclusive. Based on the available evidence, the clinical significance of this variant remains unclear.

Color Diagnostics, LLC DBA Color Health
Classification: Uncertain significance for Hereditary cancer-predisposing syndrome. Last evaluated: 2023-12-05. Review status: criteria provided, single submitter. Criteria: ACMG Guidelines, 2015. Collection method: clinical testing. Allele origin: germline.
Comment: This missense variant replaces threonine with proline at codon 517 of the BAP1 protein. Computational prediction suggests that this variant may not impact protein structure and function (internally defined REVEL score threshold <= 0.5, PMID: 27666373). To our knowledge, functional studies have not been reported for this variant. This variant has not been reported in individuals affected with BAP1-related disorders in the literature. This variant has been identified in 1/31368 chromosomes in the general population by the Genome Aggregation Database (gnomAD). The available evidence is insufficient to determine the role of this variant in disease conclusively. Therefore, this variant is classified as a Variant of Uncertain Significance.